The following is an entry in ClinVar:

NM_001363711.2(DUOX2):c.1315C>A (p.Pro439Thr)

Gene: DUOX2 (dual oxidase 2; minus strand). Cytogenetic location: 15q21.1.
Variant type: single nucleotide variant.
Coding change: c.1315C>A on transcript NM_001363711.2 (MANE Select); coding-DNA position 1315, C replaced by A.
Protein change: p.Pro439Thr; replaces proline 439 with threonine.
Molecular consequence: missense variant.
Genome position (GRCh38, 1-based): chr15:45,108,872, G>T on the plus strand (C>A on the coding strand, the complement: DUOX2 is on the minus strand). VCF-style: chr15-45108872-G-T. GRCh37 (hg19) VCF-style: chr15-45401070-G-T.
Other names: c.1315C>A, p.Pro439Thr (NM_014080.5); short protein forms P439T.
Identifiers: ClinVar variation 5005413 (VCV005005413.2).

ClinVar aggregate classification (germline): Uncertain significance (1 of 4 stars; one submission).

Conditions:
Thyroid dyshormonogenesis 6 (TDH6). Also called: Genetic transient congenital hypothyroidism; THYROID HORMONOGENESIS, GENETIC DEFECT IN, 6; HYPOTHYROIDISM, CONGENITAL, DUE TO DYSHORMONOGENESIS, 6. Identifiers: Orphanet 226316, Orphanet 95716, MedGen C1846632, MONDO:0011792, OMIM 607200.

gnomAD v4.1: 1 of 1,614,116 alleles (0.000062%); highest among the groups gnomAD compares: East Asian, 0.0022%; no homozygotes.

Submission:

Juno Genomics, Hangzhou Juno Genomics, Inc
Classification: Uncertain significance for Thyroid dyshormonogenesis 6. Review status: criteria provided, single submitter. Criteria: ACMG Guidelines, 2015. Collection method: clinical testing. Allele origin: germline.
Comment: Absent from controls (or at extremely low frequency if recessive) in Genome Aggregation Database.;Multiple lines of computational evidence support a deleterious effect on the gene or gene product.